The following is an entry in ClinVar:

NM_006790.3(MYOT):c.164C>T (p.Ser55Phe)

Genes: MYOT (myotilin; plus strand), PKD2L2-DT (PKD2L2 divergent transcript; minus strand). Cytogenetic location: 5q31.2.
Variant type: single nucleotide variant.
Coding change: c.164C>T on transcript NM_006790.3 (MANE Select); coding-DNA position 164, C replaced by T.
Protein change: p.Ser55Phe; replaces serine 55 with phenylalanine.
Molecular consequence: missense variant. On other transcripts: intron variant (2).
Genome position (GRCh38, 1-based): chr5:137,870,815, C>T. VCF-style: chr5-137870815-C-T. GRCh37 (hg19) VCF-style: chr5-137206504-C-T.
Other names: p.Ser55Phe; c.-120-62C>T (NM_001300911.2); c.-197+290C>T (NM_001135940.2); short protein forms S55F.
Identifiers: ClinVar variation 5835 (VCV000005835.57), dbSNP rs121908457, ClinGen allele CA253617.

ClinVar aggregate classification (germline): Pathogenic/Likely pathogenic. Review status: criteria provided, multiple submitters, no conflicts (2 of 4 stars). 8 submissions from 7 submitters: Pathogenic (5); Likely pathogenic (2). 1 of the submissions does not count toward it. Last evaluated 2024-12-16.

Conditions:
Myofibrillar myopathy 3 (MFM3). Also called: Muscular dystrophy, proximal, type 1A; Autosomal dominant spheroid body myopathy. Identifiers: Orphanet 266, Orphanet 268129, MedGen C3714934, MONDO:0012215, OMIM 609200.
Muscle fiber inclusion bodies. Identifiers: MedGen C4022159, HP:0100299.
Foot dorsiflexor weakness. Identifiers: MedGen C1866141, HP:0009027.
Distal amyotrophy. Identifiers: MedGen C1848736, HP:0003693.
Fatty replacement of skeletal muscle. Identifiers: MedGen C4021082, HP:0012548.
Distal lower limb muscle weakness. Identifiers: MedGen C1836450, HP:0009053.
EMG: myopathic abnormalities. Identifiers: MedGen C4021726, HP:0003458.
Urinary bladder sphincter dysfunction. Identifiers: MedGen C1843663, HP:0002839.
Lower limb pain. Identifiers: MedGen C0023222, HP:0012514.
Progressive distal muscle weakness. Identifiers: MedGen C1836609, HP:0009063.
Progressive proximal muscle weakness. Identifiers: MedGen C1836156, HP:0009073.

Submissions (8):

Labcorp Genetics (formerly Invitae), Labcorp
Classification: Pathogenic for Myofibrillar myopathy 3. Last evaluated: 2024-12-16. Review status: criteria provided, single submitter. Criteria: Invitae Variant Classification Sherloc (09022015). Collection method: clinical testing. Allele origin: germline.
Comment: This sequence change replaces serine, which is neutral and polar, with phenylalanine, which is neutral and non-polar, at codon 55 of the MYOT protein (p.Ser55Phe). This variant is not present in population databases (gnomAD no frequency). This missense change has been observed in individuals with myofibrillar myopathy, limb-girdle muscular dystrophy, and other forms of myotilinopathies (PMID: 9027924, 12428213, 15111675, 15947064, 16684602, 21676617, 25208129, 26342832). It has also been observed to segregate with disease in related individuals. ClinVar contains an entry for this variant (Variation ID: 5835). Invitae Evidence Modeling of protein sequence and biophysical properties (such as structural, functional, and spatial information, amino acid conservation, physicochemical variation, residue mobility, and thermodynamic stability) indicates that this missense variant is expected to disrupt MYOT protein function with a positive predictive value of 95%. Experimental studies are conflicting or provide insufficient evidence to determine the effect of this variant on MYOT function (PMID: 21361873). For these reasons, this variant has been classified as Pathogenic.

Mayo Clinic Laboratories, Mayo Clinic
Classification: Pathogenic. Last evaluated: 2024-10-31. Review status: criteria provided, single submitter. Criteria: ACMG Guidelines, 2015. Collection method: clinical testing. Allele origin: germline. Observed: 1 variant allele.
Comment: PP1_strong, PP4, PM1, PM2_supporting, PS4

MGZ Medical Genetics Center
Classification: Likely pathogenic for Myofibrillar myopathy 3. Last evaluated: 2021-09-02. Review status: criteria provided, single submitter. Criteria: ACMG Guidelines, 2015. Collection method: clinical testing. Allele origin: germline. Affected: yes. Observed: 1 variant allele.
Comment: ACMG criteria applied: PP1_STR, PS4_MOD, PM2_SUP

Institute of Medical Genetics and Applied Genomics, University Hospital Tübingen
Classification: Pathogenic. Last evaluated: 2020-10-23. Review status: criteria provided, single submitter. Criteria: ACMG Guidelines, 2015. Collection method: clinical testing. Allele origin: germline. Inheritance: Unknown mechanism. Affected: yes.

CeGaT Center for Human Genetics Tuebingen
Classification: Pathogenic. Last evaluated: 2017-01-01. Review status: criteria provided, single submitter. Criteria: CeGaT Center For Human Genetics Tuebingen Variant Classification Criteria Version 2. Collection method: clinical testing. Allele origin: germline. Affected: yes. Observed: 1 variant allele.

Centre for Mendelian Genomics, University Medical Centre Ljubljana
Classification: Pathogenic for Distal amyotrophy; Distal lower limb muscle weakness; EMG: myopathic abnormalities; Foot dorsiflexor weakness; Lower limb pain; Muscle fiber inclusion bodies; Fatty replacement of skeletal muscle; Urinary bladder sphincter dysfunction. Last evaluated: 2017-01-01. Review status: criteria provided, single submitter. Criteria: ACMG Guidelines, 2015. Collection method: clinical testing. Allele origin: unknown. Affected: yes.

Centre for Mendelian Genomics, University Medical Centre Ljubljana
Classification: Likely pathogenic for Progressive distal muscle weakness; Progressive proximal muscle weakness. Last evaluated: 2014-03-19. Review status: criteria provided, single submitter. Criteria: ACMG Guidelines, 2015. Collection method: clinical testing. Allele origin: unknown. Affected: yes.

OMIM
Classification: Pathogenic for MYOPATHY, MYOFIBRILLAR, 3. Last evaluated: 2004-04-27. Review status: no assertion criteria provided. Collection method: literature only. Allele origin: germline. Not counted in ClinVar's aggregate classification.

Literature cited by the submitters: PubMed 9027924 (cited by Labcorp Genetics (formerly Invitae), Labcorp); PubMed 12428213 (cited by 3 submitters); PubMed 15111675 (cited by 3 submitters); PubMed 15947064 (cited by Labcorp Genetics (formerly Invitae), Labcorp and Mayo Clinic Laboratories, Mayo Clinic); PubMed 16684602 (cited by Labcorp Genetics (formerly Invitae), Labcorp and Mayo Clinic Laboratories, Mayo Clinic); PubMed 21676617 (cited by Labcorp Genetics (formerly Invitae), Labcorp); PubMed 25208129 (cited by Labcorp Genetics (formerly Invitae), Labcorp and Mayo Clinic Laboratories, Mayo Clinic); PubMed 26342832 (cited by Labcorp Genetics (formerly Invitae), Labcorp and Mayo Clinic Laboratories, Mayo Clinic); PubMed 21361873 (cited by Labcorp Genetics (formerly Invitae), Labcorp and Mayo Clinic Laboratories, Mayo Clinic); PubMed 17698502 (cited by Mayo Clinic Laboratories, Mayo Clinic); PubMed 19027924 (cited by Mayo Clinic Laboratories, Mayo Clinic); PubMed 32403337 (cited by Mayo Clinic Laboratories, Mayo Clinic); PubMed 34106991 (cited by Mayo Clinic Laboratories, Mayo Clinic); PubMed 30055862 (cited by OMIM).